The following is an entry in ClinVar:

ClinVar aggregate classification (germline): Uncertain significance (1 of 4 stars; one submission).

gnomAD v4.1: 88 of 1,608,096 alleles (0.0055%); highest among the groups gnomAD compares: African/African-American, 0.046%; no homozygotes.

Submission:

Dasa
Classification: Uncertain significance. Last evaluated: 2024-12-16. Review status: criteria provided, single submitter. Criteria: DASA Assertion Criteria. Collection method: clinical testing. Allele origin: germline.
Comment: NM_004947.5(DOCK3):c.1253-5C>T is a splice-region variant. This variant is rare in population databases. Computational prediction algorithms are consistent with a benign effect. The currently available literature and clinical evidence are not sufficient to establish a definitive association between this variant and the reported condition. Therefore, this variant is classified as a variant of uncertain significance.

NM_004947.5(DOCK3):c.1253-5C>T

Gene: DOCK3 (dedicator of cytokinesis 3; plus strand). Cytogenetic location: 3p21.2.
Variant type: single nucleotide variant.
Coding change: c.1253-5C>T on transcript NM_004947.5 (MANE Select); 5 bases into the intron before coding-DNA position 1253, C replaced by T.
Molecular consequence: intron variant.
Genome position (GRCh38, 1-based): chr3:51,225,644, C>T. VCF-style: chr3-51225644-C-T. GRCh37 (hg19) VCF-style: chr3-51263075-C-T.
Identifiers: ClinVar variation 4882127 (VCV004882127.2).